The following is an entry in ClinVar:

ClinVar aggregate classification (germline): Benign. Review status: criteria provided, single submitter (1 of 4 stars). 2 submissions from 2 submitters: Benign (1). 1 of the submissions does not count toward it. Last evaluated 2018-04-13.

Conditions:
ATP2B3-related disorder. Also called: ATP2B3-related condition.

Allele frequency attached by ClinVar (database versions not stated): gnomAD exomes 0.00008 and 0.00018; ExAC 0.00019; 1000 Genomes Project 30x 0.00042; 1000 Genomes Project 0.00053; gnomAD 0.00053 and 0.00054; TOPMed 0.00065; ESP Exome Variant Server 0.00066.
gnomAD v4.1: 155 of 1,211,421 alleles (0.013%); highest among the groups gnomAD compares: African/African-American, 0.18%; no homozygotes.

Submissions (2):

Labcorp Genetics (formerly Invitae), Labcorp
Classification: Benign. Last evaluated: 2018-04-13. Review status: criteria provided, single submitter. Criteria: Invitae Variant Classification Sherloc (09022015). Collection method: clinical testing. Allele origin: germline.

PreventionGenetics, part of Exact Sciences
Classification: Likely benign for ATP2B3-related condition. Last evaluated: 2019-08-01. Review status: no assertion criteria provided. Collection method: clinical testing. Allele origin: germline. Not counted in ClinVar's aggregate classification.
Comment: This variant is classified as likely benign based on ACMG/AMP sequence variant interpretation guidelines (Richards et al. 2015 PMID: 25741868, with internal and published modifications).

NM_001001344.3(ATP2B3):c.2133G>A (p.Thr711=)

Gene: ATP2B3 (ATPase plasma membrane Ca2+ transporting 3; plus strand). Cytogenetic location: Xq28.
Variant type: single nucleotide variant.
Coding change: c.2133G>A on transcript NM_001001344.3 (MANE Select); coding-DNA position 2133, G replaced by A.
Protein change: p.Thr711=; no amino-acid change (threonine 711 retained).
Molecular consequence: synonymous variant.
Genome position (GRCh38, 1-based): chrX:153,556,123, G>A. VCF-style: chrX-153556123-G-A. GRCh37 (hg19) VCF-style: chrX-152821581-G-A.
Other names: c.2133G>A, p.Thr711= (NM_001388360.1, NM_001388361.1, NM_001388362.1 and 1 more transcripts).
Identifiers: ClinVar variation 746689 (VCV000746689.5), dbSNP rs146722317, ClinGen allele CA10547888.